The following is an entry in ClinVar:

ClinVar aggregate classification (germline): Pathogenic. Review status: criteria provided, multiple submitters, no conflicts (2 of 4 stars). 5 submissions from 5 submitters: Pathogenic (2). 3 of the submissions do not count toward it. Last evaluated 2024-12-31.

Conditions:
Jeune thoracic dystrophy. Also called: Jeune syndrome; Infantile thoracic dystrophy; Thoracic pelvic phalangeal dystrophy; Jeune's syndrome; Chondroectodermal dysplasia-like syndrome; Short-rib thoracic dysplasia. Identifiers: Orphanet 474, MedGen C0265275, MONDO:0018770.
DYNC2H1-related disorder. Also called: DYNC2H1-related disorders; DYNC2H1-related condition. Identifiers: MedGen CN378770.
Asphyxiating thoracic dystrophy 3. Also called: Saldino-Noonan Syndrome; SHORT-RIB THORACIC DYSPLASIA 3 WITH OR WITHOUT POLYDACTYLY; POLYDACTYLY WITH NEONATAL CHONDRODYSTROPHY, TYPE I; SHORT-RIB THORACIC DYSPLASIA 3/6 WITH POLYDACTYLY, DIGENIC; Short rib polydactyly syndrome 2B. Identifiers: Orphanet 474, Orphanet 93269, Orphanet 93270, Orphanet 93271, MedGen C0036069, MONDO:0013127, OMIM 613091.

Submissions (5):

ARUP Laboratories, Molecular Genetics and Genomics, ARUP Laboratories
Classification: Pathogenic for Asphyxiating thoracic dystrophy 3. Last evaluated: 2024-12-31. Review status: criteria provided, single submitter. Criteria: ARUP Molecular Germline Variant Investigation Process 2024. Collection method: clinical testing. Allele origin: germline.
Comment: The DYNC2H1 c.1657_1660del; p.Leu553ValfsTer18 variant (rs748906528, ClinVar Variation ID 446569) is reported in the literature in one individual affected with short rib-polydactyly syndrome, type 3 who also carries a disease-causing variant in trans (Zhang 2018). This variant is only observed on two alleles in the Genome Aggregation Database (v2.1.1), indicating it is not a common polymorphism. This variant causes a frameshift by deleting 4 nucleotides, so it is predicted to result in a truncated protein or mRNA subject to nonsense-mediated decay. Based on available information, this variant is considered to be pathogenic. References: Zhang W et al. Expanding the genetic architecture and phenotypic spectrum in the skeletal ciliopathies. Hum Mutat. 2018 Jan;39(1):152-166. PMID: 29068549.

Labcorp Genetics (formerly Invitae), Labcorp
Classification: Pathogenic for Jeune thoracic dystrophy. Last evaluated: 2023-11-24. Review status: criteria provided, single submitter. Criteria: Invitae Variant Classification Sherloc (09022015). Collection method: clinical testing. Allele origin: germline.
Comment: This sequence change creates a premature translational stop signal (p.Leu553Valfs*18) in the DYNC2H1 gene. It is expected to result in an absent or disrupted protein product. Loss-of-function variants in DYNC2H1 are known to be pathogenic (PMID: 23339108, 32753734, 33755199). This variant is present in population databases (rs748906528, gnomAD 0.002%). This premature translational stop signal has been observed in individual(s) with DYNC2H1-related conditions (PMID: 29068549). ClinVar contains an entry for this variant (Variation ID: 446569). For these reasons, this variant has been classified as Pathogenic.

PreventionGenetics, part of Exact Sciences
Classification: Pathogenic for DYNC2H1-related condition. Last evaluated: 2024-01-31. Review status: no assertion criteria provided. Collection method: clinical testing. Allele origin: germline. Not counted in ClinVar's aggregate classification.
Comment: The DYNC2H1 c.1657_1660delTTGT variant is predicted to result in a frameshift and premature protein termination (p.Leu553Valfs*18). This variant has been reported in an individual with short rib-polydactyly syndrome (Table S2, Zhang et al. 2018. PubMed ID: 29068549). This variant is reported in 0.0021% of alleles in individuals of European (Non-Finnish) descent in gnomAD. Frameshift variants in DYNC2H1 are expected to be pathogenic. This variant is interpreted as pathogenic.

Dan Cohn Lab, University Of California Los Angeles
Classification: Pathogenic for Asphyxiating thoracic dystrophy 3. Last evaluated: 2017-06-01. Review status: no assertion criteria provided. Collection method: research. Allele origin: maternal. Affected: yes. Not counted in ClinVar's aggregate classification.

University of Washington Center for Mendelian Genomics, University of Washington
Classification: Likely pathogenic for Asphyxiating thoracic dystrophy 3. Review status: no assertion criteria provided. Collection method: research. Allele origin: inherited. Affected: yes. Not counted in ClinVar's aggregate classification.

Literature cited by the submitters: PubMed 23339108 (cited by Labcorp Genetics (formerly Invitae), Labcorp); PubMed 32753734 (cited by Labcorp Genetics (formerly Invitae), Labcorp); PubMed 33755199 (cited by Labcorp Genetics (formerly Invitae), Labcorp); PubMed 29068549 (cited by 3 submitters).

NM_001377.3(DYNC2H1):c.1657_1660del (p.Leu553fs)

Gene: DYNC2H1 (dynein cytoplasmic 2 heavy chain 1; plus strand). Cytogenetic location: 11q22.3.
Variant type: Deletion.
Coding change: c.1657_1660del on transcript NM_001377.3 (MANE Select); coding-DNA positions 1657 to 1660, 4 bases deleted (TTGT; older notation c.1657_1660delTTGT).
Protein change: p.Leu553fs; shifts the reading frame from leucine 553.
Molecular consequence: frameshift variant.
Genome position (GRCh38, 1-based): chr11:103,122,996-103,122,999, TTGT deleted; deleting any 4 consecutive bases within chr11:103,122,994-103,122,999 gives the same sequence; the c. name uses the placement nearest the transcript's 3' end. VCF-style (leftmost placement, unchanged base first): chr11-103122993-GGTTT-G. GRCh37 (hg19) VCF-style: chr11-102993722-GGTTT-G.
Other names: c.1657_1660del, p.Leu553fs (NM_001080463.2); c.1657_1660delTTGT (NM_001080463.1); short protein forms L553fs.
Identifiers: ClinVar variation 446569 (VCV000446569.11), dbSNP rs748906528, ClinGen allele CA6252828.
Genomic context (GRCh38, chr11:103,122,993, plus strand): 5'-CAGGAACAATTTGATGATTGGTCCAGGGATATTCAATCAGGTTTATCTGATTCCAGATCT[GGTTT>G]GTGGTAAGTATAGATATATTAAACTGTAAAATCCAAAACCATATGTTATTAATCCAAATA-3'